The following is an entry in ClinVar:

ClinVar aggregate classification (germline): Uncertain significance (1 of 4 stars; one submission).

Conditions:
CEP290-related disorder. Also called: CEP290-related condition; CEP290-related disorders. Identifiers: MedGen CN239314.

gnomAD v4.1: 3 of 1,613,198 alleles (0.00019%); highest among the groups gnomAD compares: East Asian, 0.0067%; no homozygotes.

Submission:

PreventionGenetics, part of Exact Sciences
Classification: Uncertain significance for CEP290-related condition. Last evaluated: 2026-01-26. Review status: criteria provided, single submitter. Criteria: ACMG Guidelines, 2015. Collection method: clinical testing. Allele origin: germline.
Comment: The CEP290 c.1612C>G variant is predicted to result in the amino acid substitution p.Leu538Val. To our knowledge, this variant has not been reported in the literature. This variant is reported in 0.017% of alleles in individuals of East Asian descent in gnomAD. At this time, the clinical significance of this variant is uncertain due to the absence of conclusive functional and genetic evidence.

NM_025114.4(CEP290):c.1612C>G (p.Leu538Val)

Gene: CEP290 (centrosomal protein 290; minus strand). Cytogenetic location: 12q21.32.
Variant type: single nucleotide variant.
Coding change: c.1612C>G on transcript NM_025114.4 (MANE Select); coding-DNA position 1612, C replaced by G.
Protein change: p.Leu538Val; replaces leucine 538 with valine.
Molecular consequence: missense variant.
Genome position (GRCh38, 1-based): chr12:88,118,654, G>C on the plus strand (C>G on the coding strand, the complement: CEP290 is on the minus strand). VCF-style: chr12-88118654-G-C. GRCh37 (hg19) VCF-style: chr12-88512431-G-C.
Other names: short protein forms L538V.
Identifiers: ClinVar variation 4992036 (VCV004992036.1).
Genomic context (GRCh38, chr12:88,118,654, plus strand): 5'-TTTCTCTATAGTTCAGCCAAGAAAATAATCAACTGACTACCACACTTGCCTCTTTCAAAA[G>C]AATCTGGTTTTCAGCTCTGTACTGCTGCTGTTTTAAGTGTTTGCTATTTCTAAATTCAGT-3'
Protein context (NP_079390.3, residues 528-548): QQQYRAENQI[Leu538Val]LKEIESLEEE